The following is an entry in ClinVar:

ClinVar aggregate classification (germline): Conflicting classifications of pathogenicity. Review status: criteria provided, conflicting classifications (1 of 4 stars). 3 submissions from 3 submitters: Uncertain significance (1); Benign (1); Likely benign (1). Last evaluated 2026-02-03.

Allele frequency attached by ClinVar (database versions not stated): gnomAD exomes 0.00011 and 0.00050; gnomAD 0.00013 and 0.00014; TOPMed 0.00022; 1000 Genomes Project 0.00040; ExAC 0.00045; 1000 Genomes Project 30x 0.00047.
gnomAD v4.1: 172 of 1,576,308 alleles (0.011%); highest among the groups gnomAD compares: Admixed American, 0.27%; 1 homozygote.

Submissions (3):

Labcorp Genetics (formerly Invitae), Labcorp
Classification: Benign. Last evaluated: 2026-02-03. Review status: criteria provided, single submitter. Criteria: Invitae Variant Classification Sherloc (09022015). Collection method: clinical testing. Allele origin: germline.

GeneDx
Classification: Likely benign. Last evaluated: 2020-10-05. Review status: criteria provided, single submitter. Criteria: GeneDx Variant Classification Process June 2021. Collection method: clinical testing. Allele origin: germline. Affected: yes.
Comment: This variant is associated with the following publications: (PMID: 21555342, 27065468)

Genomic Diagnostic Laboratory, Division of Genomic Diagnostics, Children's Hospital of Philadelphia
Classification: Uncertain significance. Last evaluated: 2015-02-13. Review status: criteria provided, single submitter. Criteria: DGD Variant Analysis Guidelines. Collection method: clinical testing. Allele origin: unknown.

NM_007215.4(POLG2):c.1268C>A (p.Ser423Tyr)

Genes: MILR1 (mast cell immunoglobulin like receptor 1; plus strand), POLG2 (DNA polymerase gamma 2, accessory subunit; minus strand). Cytogenetic location: 17q23.3.
Variant type: single nucleotide variant.
Coding change: c.1268C>A on transcript NM_007215.4 (MANE Select); coding-DNA position 1268, C replaced by A.
Protein change: p.Ser423Tyr; replaces serine 423 with tyrosine.
Molecular consequence: missense variant.
Genome position (GRCh38, 1-based): chr17:64,480,313, G>T on the plus strand (C>A on the coding strand, the complement: POLG2 is on the minus strand). VCF-style: chr17-64480313-G-T. GRCh37 (hg19) VCF-style: chr17-62476430-G-T.
Other names: short protein forms S423Y.
Identifiers: ClinVar variation 218696 (VCV000218696.12), dbSNP rs181583071, ClinGen allele CA249162.